The following is an entry in ClinVar:

NM_015335.5(MED13L):c.3666C>T (p.Pro1222=)

Gene: MED13L (mediator complex subunit 13L; minus strand). Cytogenetic location: 12q24.21.
Variant type: single nucleotide variant.
Coding change: c.3666C>T on transcript NM_015335.5 (MANE Select); coding-DNA position 3666, C replaced by T.
Protein change: p.Pro1222=; no amino-acid change (proline 1222 retained).
Molecular consequence: synonymous variant.
Genome position (GRCh38, 1-based): chr12:115,991,288, G>A on the plus strand (C>T on the coding strand, the complement: MED13L is on the minus strand). VCF-style: chr12-115991288-G-A. GRCh37 (hg19) VCF-style: chr12-116429093-G-A.
Identifiers: ClinVar variation 2643366 (VCV002643366.24), dbSNP rs2137305799, ClinGen allele CA482137126.

ClinVar aggregate classification (germline): Likely benign (1 of 4 stars; one submission).

Submission:

CeGaT Center for Human Genetics Tuebingen
Classification: Likely benign. Last evaluated: 2023-07-01. Review status: criteria provided, single submitter. Criteria: CeGaT Center For Human Genetics Tuebingen Variant Classification Criteria Version 2. Collection method: clinical testing. Allele origin: germline. Affected: yes. Observed: 1 variant allele.
Comment: MED13L: PM2:Supporting, BP4, BP7